The following is an entry in ClinVar:

ClinVar aggregate classification (germline): Likely pathogenic (1 of 4 stars; one submission).

Submission:

Labcorp Genetics (formerly Invitae), Labcorp
Classification: Likely pathogenic. Last evaluated: 2022-11-11. Review status: criteria provided, single submitter. Criteria: Invitae Variant Classification Sherloc (09022015). Collection method: clinical testing. Allele origin: unknown.
Comment: In summary, the currently available evidence indicates that the variant is pathogenic, but additional data are needed to prove that conclusively. Therefore, this variant has been classified as Likely Pathogenic. This variant has not been reported in the literature in individuals affected with ERCC6-related conditions. This variant results in a copy number gain of the genomic region encompassing exon(s) 12-18 of the ERCC6 gene. While the exact position of this variant cannot be determined from the data, sub-genic copy number gains are generally in tandem (PMID: 25640679). This variant is predicted to be out-of-frame, and may result in an absent or disrupted protein product. Loss-of-function variants in ERCC6 are known to be pathogenic (PMID: 18628313, 29572252).

Literature cited by the submitters: PubMed 25640679; PubMed 18628313; PubMed 29572252.

NC_000010.10:g.(?_50678218)_(50684366_?)dup

Gene: ERCC6 (ERCC excision repair 6, chromatin remodeling factor; minus strand). Cytogenetic location: 10q11.23.
Variant type: Duplication.
Identifiers: ClinVar variation 3244931 (VCV003244931.1).